The following is an entry in ClinVar:

ClinVar aggregate classification (germline): Uncertain significance (1 of 4 stars; one submission).

Conditions:
Hypertrophic cardiomyopathy 26. Also called: Cardiomyopathy, familial hypertrophic, 26. Identifiers: Orphanet 75249, MedGen C4310749, MONDO:0014883, OMIM 617047.
Myofibrillar myopathy 5. Also called: Filaminopathy (type); FILAMINOPATHY, AUTOSOMAL DOMINANT. Identifiers: Orphanet 171445, MedGen C1836050, MONDO:0012289, OMIM 609524.
Distal myopathy with posterior leg and anterior hand involvement. Also called: WILLIAMS DISTAL MYOPATHY. Identifiers: Orphanet 63273, MedGen C3279722, MONDO:0013550, OMIM 614065.

Submission:

Labcorp Genetics (formerly Invitae), Labcorp
Classification: Uncertain significance for Distal myopathy with posterior leg and anterior hand involvement; Myofibrillar myopathy 5; Hypertrophic cardiomyopathy 26. Last evaluated: 2025-12-06. Review status: criteria provided, single submitter. Criteria: Invitae Variant Classification Sherloc (09022015). Collection method: clinical testing. Allele origin: germline.
Comment: This sequence change replaces aspartic acid, which is acidic and polar, with histidine, which is basic and polar, at codon 1086 of the FLNC protein (p.Asp1086His). This variant is not present in population databases (gnomAD no frequency). This variant has not been reported in the literature in individuals affected with FLNC-related conditions. Invitae Evidence Modeling of protein sequence and biophysical properties (such as structural, functional, and spatial information, amino acid conservation, physicochemical variation, residue mobility, and thermodynamic stability) has been performed for this missense variant. However, the output from this modeling did not meet the statistical confidence thresholds required to predict the impact of this variant on FLNC protein function. In summary, the available evidence is currently insufficient to determine the role of this variant in disease. Therefore, it has been classified as a Variant of Uncertain Significance.

NM_001458.5(FLNC):c.3256G>C (p.Asp1086His)

Gene: FLNC (filamin C; plus strand). Cytogenetic location: 7q32.1.
Variant type: single nucleotide variant.
Coding change: c.3256G>C on transcript NM_001458.5 (MANE Select); coding-DNA position 3256, G replaced by C.
Protein change: p.Asp1086His; replaces aspartic acid 1086 with histidine.
Molecular consequence: missense variant.
Genome position (GRCh38, 1-based): chr7:128,844,721, G>C. VCF-style: chr7-128844721-G-C. GRCh37 (hg19) VCF-style: chr7-128484775-G-C.
Other names: c.3256G>C, p.Asp1086His (NM_001127487.2); short protein forms D1086H.
Identifiers: ClinVar variation 4812705 (VCV004812705.1).
Genomic context (GRCh38, chr7:128,844,721, plus strand): 5'-TGTGCTTATGGCCCGGGTCTCAAGGGTGGACTGGTAGGCACCCCCGCGCCATTCTCCATC[G>C]ACACCAAGGGGGCTGGCACAGGTGGCCTGGGGCTGACCGTAGAGGGCCCCTGCGAGGCCA-3'
Protein context (NP_001449.3, residues 1076-1096): LVGTPAPFSI[Asp1086His]TKGAGTGGLG